The following is an entry in ClinVar:

NM_032242.4(PLXNA1):c.2479G>T (p.Glu827Ter)

Gene: PLXNA1 (plexin A1; plus strand). Cytogenetic location: 3q21.3.
Variant type: single nucleotide variant.
Coding change: c.2479G>T on transcript NM_032242.4 (MANE Select); coding-DNA position 2479, G replaced by T.
Protein change: p.Glu827Ter; replaces glutamic acid 827 with a stop codon.
Molecular consequence: nonsense.
Genome position (GRCh38, 1-based): chr3:127,014,250, G>T. VCF-style: chr3-127014250-G-T. GRCh37 (hg19) VCF-style: chr3-126733093-G-T.
Other names: short protein forms E827*.
Identifiers: ClinVar variation 4998754 (VCV004998754.1).

ClinVar aggregate classification (germline): Uncertain significance (1 of 4 stars; one submission).

Conditions:
PLXNA1-related disorder. Also called: PLXNA1-related condition.

gnomAD v4.1: 1 of 1,601,456 alleles (0.000062%); highest among the groups gnomAD compares: Non-Finnish European, 0.000085%; no homozygotes.

Submission:

PreventionGenetics, part of Exact Sciences
Classification: Uncertain significance for PLXNA1-related condition. Last evaluated: 2024-10-17. Review status: criteria provided, single submitter. Criteria: ACMG Guidelines, 2015. Collection method: clinical testing. Allele origin: germline.
Comment: The PLXNA1 c.2479G>T variant is predicted to result in premature protein termination (p.Glu827*). To our knowledge, this variant has not been reported in the literature or in a large population database (gnomAD), indicating this variant is rare. Loss of function is not a well established mechanism of PLXNA1-related disease. Although we suspect that this variant may be pathogenic, at this time, the clinical significance of this variant is uncertain due to the absence of conclusive functional and genetic evidence.